The following is an entry in ClinVar:

ClinVar aggregate classification (germline): Uncertain significance (1 of 4 stars; one submission).

gnomAD v4.1: 52 of 1,614,084 alleles (0.0032%); highest among the groups gnomAD compares: South Asian, 0.037%; no homozygotes.

Submission:

Labcorp Genetics (formerly Invitae), Labcorp
Classification: Uncertain significance. Last evaluated: 2022-05-27. Review status: criteria provided, single submitter. Criteria: Invitae Variant Classification Sherloc (09022015). Collection method: clinical testing. Allele origin: germline.
Comment: This sequence change replaces isoleucine, which is neutral and non-polar, with valine, which is neutral and non-polar, at codon 95 of the MRPS22 protein (p.Ile95Val). This variant is present in population databases (rs73866065, gnomAD 0.02%). This variant has not been reported in the literature in individuals affected with MRPS22-related conditions. Algorithms developed to predict the effect of missense changes on protein structure and function output the following: SIFT: "Tolerated"; PolyPhen-2: "Benign"; Align-GVGD: "Class C0". The valine amino acid residue is found in multiple mammalian species, which suggests that this missense change does not adversely affect protein function. In summary, the available evidence is currently insufficient to determine the role of this variant in disease. Therefore, it has been classified as a Variant of Uncertain Significance.

NM_020191.4(MRPS22):c.283A>G (p.Ile95Val)

Gene: MRPS22 (mitochondrial ribosomal protein S22; plus strand). Cytogenetic location: 3q23.
Variant type: single nucleotide variant.
Coding change: c.283A>G on transcript NM_020191.4 (MANE Select); coding-DNA position 283, A replaced by G.
Protein change: p.Ile95Val; replaces isoleucine 95 with valine.
Molecular consequence: missense variant.
Genome position (GRCh38, 1-based): chr3:139,346,988, A>G. VCF-style: chr3-139346988-A-G. GRCh37 (hg19) VCF-style: chr3-139065830-A-G.
Other names: c.160A>G, p.Ile54Val (NM_001363857.1); c.280A>G, p.Ile94Val (NM_001363893.1); short protein forms I94V, I95V, I54V.
Identifiers: ClinVar variation 1977383 (VCV001977383.2), dbSNP rs73866065, ClinGen allele CA2640676.